The following is an entry in ClinVar:

NM_001429.4(EP300):c.2860C>T (p.Pro954Ser)

Genes: EP300 (E1A binding protein p300; plus strand), LOC126863158 (BRD4-independent group 4 enhancer GRCh37_chr22:41547383-41548582; plus strand). Cytogenetic location: 22q13.2.
Variant type: single nucleotide variant.
Coding change: c.2860C>T on transcript NM_001429.4 (MANE Select); coding-DNA position 2860, C replaced by T.
Protein change: p.Pro954Ser; replaces proline 954 with serine.
Molecular consequence: missense variant.
Genome position (GRCh38, 1-based): chr22:41,151,875, C>T. VCF-style: chr22-41151875-C-T. GRCh37 (hg19) VCF-style: chr22-41547879-C-T.
Other names: c.2782C>T, p.Pro928Ser (NM_001362843.2); short protein forms P928S, P954S.
Identifiers: ClinVar variation 3354573 (VCV003354573.1).

ClinVar aggregate classification (germline): Uncertain significance (0 of 4 stars; one submission).

Conditions:
EP300-related disorder. Also called: EP300-related disorders; EP300-related condition.

Submission:

PreventionGenetics, part of Exact Sciences
Classification: Uncertain significance for EP300-related condition. Last evaluated: 2023-10-25. Review status: no assertion criteria provided. Collection method: clinical testing. Allele origin: germline.
Comment: The EP300 c.2860C>T variant is predicted to result in the amino acid substitution p.Pro954Ser. To our knowledge, this variant has not been reported in the literature or in a large population database, indicating this variant is rare. At this time, the clinical significance of this variant is uncertain due to the absence of conclusive functional and genetic evidence.